The following is an entry in ClinVar:

GRCh37/hg19 22q11.22-11.23(chr22:22989174-23657759)x1

Genes: IGLC1 (immunoglobulin lambda constant 1; plus strand), GGTLC2 (gamma-glutamyltransferase light chain 2; plus strand), RSPH14 (radial spoke head 14 homolog; minus strand), IGLL5 (immunoglobulin lambda like polypeptide 5; plus strand), GNAZ (G protein subunit alpha z; plus strand) and 2 more. Cytogenetic location: 22q11.22-11.23.
Variant type: copy number loss.
Change: copy number 1 (one copy instead of two) of chr22:22,989,174-23,657,759 (668.6 kb, GRCh37 coordinates, 1-based), cytogenetic band 22q11.22-11.23.
Identifiers: ClinVar variation 3384223 (VCV003384223.1).

ClinVar aggregate classification (germline): Likely pathogenic (0 of 4 stars; one submission).

Conditions:
Chromosome 22q11.2 deletion syndrome, distal. Identifiers: Orphanet 261330, MedGen C2678480, MONDO:0012740, OMIM 611867.

Submission:

Clinical Genetics, Synlab MVZ Humangenetik Freiburg
Classification: Likely pathogenic for Chromosome 22q11.2 deletion syndrome, distal. Last evaluated: 2023-07-25. Review status: no assertion criteria provided. Collection method: clinical testing. Allele origin: germline. Affected: yes.
Comment: Distal deletions of the chromosomal region 22q11.2 D-E/F are described for a milder phenotype than the typical Di-George syndrome spectrum. Mikhail et al., 2014 described 9 unrelated patients with distal 22q11.2 deletions that show variable neurodevelopmental phenotypes, including psychiatric manifestations. Penetrance is reduced and the the phenotype variable (McDonald-McGinn et al., GeneReviews, 2020). Oliveira et al. (2019) reviewed the literature for cases of 22q11.2 D-E deletions. A total of 33 individuals were reported across 15 studies, with the common phenotypic findings including congenital heart disease (truncus arteriosus was the most common), prematurity and low birth weight, language development delay, bone malformations, facial dysmorphisms, and a wide range of intellectual disability. We rate the 669 kb deletion on 22q11q2 as Likely pathogenic.